The following is an entry in ClinVar:

ClinVar aggregate classification (germline): Uncertain significance (1 of 4 stars; one submission).

Conditions:
Singleton-Merten syndrome 1 (SGMRT1). Also called: Widened medullary cavities of bone, aortic calcification, abnormal dentition, and muscular weakness; Syndrome of widened medullary cavities of the metacarpals and phalanges, aortic calcification and abnormal dentition. Identifiers: Orphanet 85191, MedGen C4225427, MONDO:0024535, OMIM 182250.
Aicardi-Goutieres syndrome 7 (AGS7). Identifiers: Orphanet 51, MedGen C3888244, MONDO:0014367, OMIM 615846.

Allele frequency attached by ClinVar (database versions not stated): gnomAD exomes below 0.00001; TOPMed 0.00001.
gnomAD v4.1: 2 of 1,614,034 alleles (0.00012%); highest among the groups gnomAD compares: African/African-American, 0.0027%; no homozygotes.

Submission:

Labcorp Genetics (formerly Invitae), Labcorp
Classification: Uncertain significance for Aicardi-Goutieres syndrome 7; Singleton-Merten syndrome 1. Last evaluated: 2022-07-12. Review status: criteria provided, single submitter. Criteria: Invitae Variant Classification Sherloc (09022015). Collection method: clinical testing. Allele origin: germline.
Comment: In summary, the available evidence is currently insufficient to determine the role of this variant in disease. Therefore, it has been classified as a Variant of Uncertain Significance. This sequence change replaces threonine, which is neutral and polar, with serine, which is neutral and polar, at codon 76 of the IFIH1 protein (p.Thr76Ser). Algorithms developed to predict the effect of missense changes on protein structure and function (SIFT, PolyPhen-2, Align-GVGD) all suggest that this variant is likely to be tolerated. ClinVar contains an entry for this variant (Variation ID: 1522850). This variant has not been reported in the literature in individuals affected with IFIH1-related conditions. This variant is present in population databases (no rsID available, gnomAD 0.007%).

NM_022168.4(IFIH1):c.226A>T (p.Thr76Ser)

Gene: IFIH1 (interferon induced with helicase C domain 1; minus strand). Cytogenetic location: 2q24.2.
Variant type: single nucleotide variant.
Coding change: c.226A>T on transcript NM_022168.4 (MANE Select); coding-DNA position 226, A replaced by T.
Protein change: p.Thr76Ser; replaces threonine 76 with serine.
Molecular consequence: missense variant.
Genome position (GRCh38, 1-based): chr2:162,318,082, T>A on the plus strand (A>T on the coding strand, the complement: IFIH1 is on the minus strand). VCF-style: chr2-162318082-T-A. GRCh37 (hg19) VCF-style: chr2-163174592-T-A.
Other names: short protein forms T76S.
Identifiers: ClinVar variation 1522850 (VCV001522850.8), dbSNP rs957068367, ClinGen allele CA59694260.